The following is an entry in ClinVar:

NM_017617.5(NOTCH1):c.6083-3C>T

Genes: NOTCH1 (notch receptor 1; minus strand), LOC126860794 (BRD4-independent group 4 enhancer GRCh37_chr9:139392592-139393791; plus strand). Cytogenetic location: 9q34.3.
Variant type: single nucleotide variant.
Coding change: c.6083-3C>T on transcript NM_017617.5 (MANE Select); 3 bases into the intron before coding-DNA position 6083, C replaced by T.
Molecular consequence: intron variant.
Genome position (GRCh38, 1-based): chr9:136,498,999, G>A on the plus strand (C>T on the coding strand, the complement: NOTCH1 is on the minus strand). VCF-style: chr9-136498999-G-A. GRCh37 (hg19) VCF-style: chr9-139393451-G-A.
Identifiers: ClinVar variation 2195802 (VCV002195802.4), dbSNP rs770358205, ClinGen allele CA5340023.

ClinVar aggregate classification (germline): Uncertain significance (1 of 4 stars; one submission).

Conditions:
Adams-Oliver syndrome 5 (AOS5). Identifiers: Orphanet 974, MedGen C4014970, MONDO:0014459, OMIM 616028.

Allele frequency attached by ClinVar (database versions not stated): ExAC 0.00003.
gnomAD v4.1: 13 of 1,613,312 alleles (0.00081%); highest among the groups gnomAD compares: South Asian, 0.014%; no homozygotes.

Submission:

Labcorp Genetics (formerly Invitae), Labcorp
Classification: Uncertain significance for Adams-Oliver syndrome 5. Last evaluated: 2022-05-24. Review status: criteria provided, single submitter. Criteria: Invitae Variant Classification Sherloc (09022015). Collection method: clinical testing. Allele origin: germline.
Comment: This sequence change falls in intron 32 of the NOTCH1 gene. It does not directly change the encoded amino acid sequence of the NOTCH1 protein. It affects a nucleotide within the consensus splice site. This variant is present in population databases (rs770358205, gnomAD 0.01%). This variant has not been reported in the literature in individuals affected with NOTCH1-related conditions. Variants that disrupt the consensus splice site are a relatively common cause of aberrant splicing (PMID: 17576681, 9536098). Algorithms developed to predict the effect of sequence changes on RNA splicing suggest that this variant is not likely to affect RNA splicing. In summary, the available evidence is currently insufficient to determine the role of this variant in disease. Therefore, it has been classified as a Variant of Uncertain Significance.

Literature cited by the submitters: PubMed 17576681; PubMed 9536098.